The following is an entry in ClinVar:

ClinVar aggregate classification (germline): Uncertain significance. Review status: criteria provided, multiple submitters, no conflicts (2 of 4 stars). 3 submissions from 3 submitters: Uncertain significance (2). 1 of the submissions does not count toward it. Last evaluated 2026-04-10.

Conditions:
TRPV4-related disorder. Also called: TRPV4-related condition; TRPV4-related disorders.
Skeletal dysplasia. Also called: Primary bone dysplasia. Identifiers: Orphanet 364526, MedGen C0410528, MONDO:0018230, HP:0002652.

Submissions (3):

GeneDx
Classification: Uncertain significance. Last evaluated: 2026-04-10. Review status: criteria provided, single submitter. Criteria: GeneDx Variant Classification Process June 2021. Collection method: clinical testing. Allele origin: germline.
Comment: Published functional studies suggest this variant results in reduced thermal stability and exhibits a minor reduction in ATP binding, however additional studies are needed to validate the functional effect of this variant (PMID: 22702953); Not observed at significant frequency in large population cohorts (gnomAD); In silico analysis supports that this missense variant has a deleterious effect on protein structure/function; This variant is associated with the following publications: (PMID: 20577006, 22702953)

3billion
Classification: Uncertain significance for TRPV4-related disorder. Last evaluated: 2024-06-20. Review status: criteria provided, single submitter. Criteria: ACMG Guidelines, 2015. Collection method: clinical testing. Allele origin: germline. Affected: yes.
Comment: The variant is not observed in the gnomAD v4.0.0 dataset. Predicted Consequence/Location: Missense changes are a common disease-causing mechanism. Damaging effect on gene or gene product predicted by in silico programs is uncertain [REVEL: 0.44 (damaging >=0.6, benign <0.4), 3Cnet: 0.37 (damaging >=0.6, benign <0.15)]. The same nucleotide change resulting in the same amino acid change has been previously reported to be associated with TRPV4 related disorder (PMID: 20577006). However, the evidence of pathogenicity is insufficient at this time. Therefore, this variant is classified as VUS according to the recommendation of ACMG/AMP guideline.

GeneReviews
No classification provided. Condition: Skeletal dysplasia. Review status: no classification provided. Collection method: literature only. Allele origin: germline. Affected: yes. Not counted in ClinVar's aggregate classification.

Literature cited by the submitters: PubMed 20577006 (cited by 3billion); NCBI Bookshelf NBK201366 (cited by GeneReviews).

NM_021625.5(TRPV4):c.1024G>T (p.Val342Phe)

Gene: TRPV4 (transient receptor potential cation channel subfamily V member 4; minus strand). Cytogenetic location: 12q24.11.
Variant type: single nucleotide variant.
Coding change: c.1024G>T on transcript NM_021625.5 (MANE Select); coding-DNA position 1024, G replaced by T.
Protein change: p.Val342Phe; replaces valine 342 with phenylalanine.
Molecular consequence: missense variant.
Genome position (GRCh38, 1-based): chr12:109,798,742, C>A on the plus strand (G>T on the coding strand, the complement: TRPV4 is on the minus strand). VCF-style: chr12-109798742-C-A. GRCh37 (hg19) VCF-style: chr12-110236547-C-A.
Other names: c.922G>T, p.Val308Phe (NM_001177431.2); c.883G>T, p.Val295Phe (NM_001177433.2, NM_001177428.2); c.1024G>T, p.Val342Phe (NM_147204.3); short protein forms V342F, V308F, V295F.
Identifiers: ClinVar variation 126462 (VCV000126462.5), dbSNP rs515726152, ClinGen allele CA347708.
Genomic context (GRCh38, chr12:109,798,742, plus strand): 5'-GGTTGCTGTCGGGGAAGAGGCGGGCACACTTGAGCAGCAGCAGGTCGTACATCTTGGTAA[C>A]AAACTTGGTGTTCTCACGGGTGTTGTCAGCAATGGCCACCAGCGCATGCAGCACTGTGTT-3'
Protein context (NP_067638.3, residues 332-352): ADNTRENTKF[Val342Phe]TKMYDLLLLK